The following is an entry in ClinVar:

NM_000395.3(CSF2RB):c.2357C>A (p.Pro786His)

Gene: CSF2RB (colony stimulating factor 2 receptor subunit beta; plus strand). Cytogenetic location: 22q12.3.
Variant type: single nucleotide variant.
Coding change: c.2357C>A on transcript NM_000395.3 (MANE Select); coding-DNA position 2357, C replaced by A.
Protein change: p.Pro786His; replaces proline 786 with histidine.
Molecular consequence: missense variant.
Genome position (GRCh38, 1-based): chr22:36,938,165, C>A. VCF-style: chr22-36938165-C-A. GRCh37 (hg19) VCF-style: chr22-37334207-C-A.
Other names: c.2375C>A, p.Pro792His (NM_001410827.1); short protein forms P786H, P792H.
Identifiers: ClinVar variation 3673800 (VCV003673800.2).

ClinVar aggregate classification (germline): Uncertain significance (1 of 4 stars; one submission).

gnomAD v4.1: 1 of 1,614,140 alleles (0.000062%); highest among the groups gnomAD compares: African/African-American, 0.0013%; no homozygotes.

Submission:

Labcorp Genetics (formerly Invitae), Labcorp
Classification: Uncertain significance. Last evaluated: 2024-03-05. Review status: criteria provided, single submitter. Criteria: Invitae Variant Classification Sherloc (09022015). Collection method: clinical testing. Allele origin: germline.
Comment: This sequence change replaces proline, which is neutral and non-polar, with histidine, which is basic and polar, at codon 786 of the CSF2RB protein (p.Pro786His). This variant is not present in population databases (gnomAD no frequency). This variant has not been reported in the literature in individuals affected with CSF2RB-related conditions. Advanced modeling of protein sequence and biophysical properties (such as structural, functional, and spatial information, amino acid conservation, physicochemical variation, residue mobility, and thermodynamic stability) has been performed at Invitae for this missense variant, however the output from this modeling did not meet the statistical confidence thresholds required to predict the impact of this variant on CSF2RB protein function. In summary, the available evidence is currently insufficient to determine the role of this variant in disease. Therefore, it has been classified as a Variant of Uncertain Significance.